The following is an entry in ClinVar:

NM_006206.6(PDGFRA):c.1117A>G (p.Ile373Val)

Gene: PDGFRA (platelet derived growth factor receptor alpha; plus strand). Cytogenetic location: 4q12.
Variant type: single nucleotide variant.
Coding change: c.1117A>G on transcript NM_006206.6 (MANE Select); coding-DNA position 1117, A replaced by G.
Protein change: p.Ile373Val; replaces isoleucine 373 with valine.
Molecular consequence: missense variant.
Genome position (GRCh38, 1-based): chr4:54,267,737, A>G. VCF-style: chr4-54267737-A-G. GRCh37 (hg19) VCF-style: chr4-55133904-A-G.
Other names: c.1117A>G, p.Ile373Val (NM_001347827.2, NM_001347829.2); c.1192A>G, p.Ile398Val (NM_001347828.2); c.1156A>G, p.Ile386Val (NM_001347830.2); c.1117A>G (NM_006206.4); short protein forms I386V, I398V, I373V.
Identifiers: ClinVar variation 1358729 (VCV001358729.9), dbSNP rs2110267678, ClinGen allele CA356891839.
Genomic context (GRCh38, chr4:54,267,737, plus strand): 5'-AATCTGACTCTGATTGAAAATCTCACTGAGATCACCACTGATGTGGAAAAGATTCAGGAA[A>G]TAAGGTAAAGAAACTCTCTGCCCAAGTATGCCTTTTTTTAGTGTGCATCAGAGGCGGACT-3'
Protein context (NP_006197.1, residues 363-383): ITTDVEKIQE[Ile373Val]RYRSKLKLIR

ClinVar aggregate classification (germline): Uncertain significance. Review status: criteria provided, multiple submitters, no conflicts (2 of 4 stars). 2 submissions from 2 submitters: Uncertain significance (2). Last evaluated 2025-08-17.

Conditions:
Hereditary cancer-predisposing syndrome. Also called: Tumor predisposition; Hereditary Cancer Syndrome; Hereditary neoplastic syndrome; Neoplastic Syndromes, Hereditary. Identifiers: Orphanet 140162, MedGen C0027672, MeSH D009386, MONDO:0015356.
Gastrointestinal stromal tumor. Also called: Gastrointestinal stroma tumor; Gastrointestinal stromal tumor, somatic. Identifiers: Orphanet 44890, MedGen C0238198, MeSH D046152, MONDO:0011719, OMIM 606764, HP:0100723.

Submissions (2):

Labcorp Genetics (formerly Invitae), Labcorp
Classification: Uncertain significance for Gastrointestinal stromal tumor. Last evaluated: 2025-08-17. Review status: criteria provided, single submitter. Criteria: Invitae Variant Classification Sherloc (09022015). Collection method: clinical testing. Allele origin: germline.
Comment: This sequence change replaces isoleucine, which is neutral and non-polar, with valine, which is neutral and non-polar, at codon 373 of the PDGFRA protein (p.Ile373Val). This variant is not present in population databases (gnomAD no frequency). This variant has not been reported in the literature in individuals affected with PDGFRA-related conditions. ClinVar contains an entry for this variant (Variation ID: 1358729). Invitae Evidence Modeling of protein sequence and biophysical properties (such as structural, functional, and spatial information, amino acid conservation, physicochemical variation, residue mobility, and thermodynamic stability) indicates that this missense variant is not expected to disrupt PDGFRA protein function with a negative predictive value of 80%. In summary, the available evidence is currently insufficient to determine the role of this variant in disease. Therefore, it has been classified as a Variant of Uncertain Significance.

Ambry Genetics
Classification: Uncertain significance for Hereditary cancer-predisposing syndrome. Last evaluated: 2025-02-01. Review status: criteria provided, single submitter. Criteria: Ambry Variant Classification Scheme 2023. Collection method: clinical testing. Allele origin: germline.
Comment: The p.I373V variant (also known as c.1117A>G), located in coding exon 6 of the PDGFRA gene, results from an A to G substitution at nucleotide position 1117. The isoleucine at codon 373 is replaced by valine, an amino acid with highly similar properties. This amino acid position is conserved. In addition, this alteration is predicted to be tolerated by in silico analysis. Based on the available evidence, the clinical significance of this variant remains unclear.